The following is an entry in ClinVar:

ClinVar aggregate classification (germline): Likely benign (1 of 4 stars; one submission).

Submission:

CeGaT Center for Human Genetics Tuebingen
Classification: Likely benign. Last evaluated: 2025-10-01. Review status: criteria provided, single submitter. Criteria: CeGaT Center For Human Genetics Tuebingen Variant Classification Criteria Version 2. Collection method: clinical testing. Allele origin: germline. Affected: yes. Observed: 2 variant alleles.
Comment: FMN2: PM2:Supporting, BP4, BP7

NM_020066.5(FMN2):c.3306A>C (p.Leu1102=)

Gene: FMN2 (formin 2; plus strand). Cytogenetic location: 1q43.
Variant type: single nucleotide variant.
Coding change: c.3306A>C on transcript NM_020066.5 (MANE Select); coding-DNA position 3306, A replaced by C.
Protein change: p.Leu1102=; no amino-acid change (leucine 1102 retained).
Molecular consequence: synonymous variant. On other transcripts: intron variant (1).
Genome position (GRCh38, 1-based): chr1:240,208,118, A>C. VCF-style: chr1-240208118-A-C. GRCh37 (hg19) VCF-style: chr1-240371418-A-C.
Other names: c.3318A>C, p.Leu1106= (NM_001305424.2); c.1986+19856A>C (NM_001348094.2).
Identifiers: ClinVar variation 4085111 (VCV004085111.8).
Genomic context (GRCh38, chr1:240,208,118, plus strand): 5'-AGCGGGCATACCCCCACCTCCCCCTCTACCCGGAGCGGGCATACCCCCTCCGCCCCCTCT[A>C]CCCGGAGTGGGCATACCTCCTCCGCCCCCTCTACCCGGAGCGGGCATACCCCCTCCTCCC-3'
Protein context (NP_064450.3, residues 1092-1112): PGAGIPPPPP[Leu1102=]PGVGIPPPPP